The following is an entry in ClinVar:

ClinVar aggregate classification (germline): Benign. Review status: criteria provided, multiple submitters, no conflicts (2 of 4 stars). 2 submissions from 2 submitters: Benign (2). Last evaluated 2018-06-19.

Allele frequency attached by ClinVar (database versions not stated): gnomAD exomes 0.00265; ESP Exome Variant Server 0.02190; gnomAD 0.02204 and 0.02367; 1000 Genomes Project 0.02476; TOPMed 0.02555; 1000 Genomes Project 30x 0.02623.
gnomAD v4.1: 6,958 of 1,449,074 alleles (0.48%); highest among the groups gnomAD compares: African/African-American, 7.6%; 230 homozygotes.

Submissions (2):

GeneDx
Classification: Benign. Last evaluated: 2018-06-19. Review status: criteria provided, single submitter. Criteria: GeneDx Variant Classification (06012015). Collection method: clinical testing. Allele origin: germline. Affected: yes.
Comment: This variant is considered likely benign or benign based on one or more of the following criteria: it is a conservative change, it occurs at a poorly conserved position in the protein, it is predicted to be benign by multiple in silico algorithms, and/or has population frequency not consistent with disease.

Breakthrough Genomics
Classification: Benign. Review status: criteria provided, single submitter. Criteria: ACMG Guidelines, 2015. Collection method: not provided. Allele origin: germline. Inheritance: Autosomal recessive inheritance. Affected: yes.

NM_004369.4(COL6A3):c.6156+54A>G

Gene: COL6A3 (collagen type VI alpha 3 chain; minus strand). Cytogenetic location: 2q37.3.
Variant type: single nucleotide variant.
Coding change: c.6156+54A>G on transcript NM_004369.4 (MANE Select); 54 bases into the intron after coding-DNA position 6156, A replaced by G.
Molecular consequence: intron variant.
Genome position (GRCh38, 1-based): chr2:237,361,685, T>C on the plus strand (A>G on the coding strand, the complement: COL6A3 is on the minus strand). VCF-style: chr2-237361685-T-C. GRCh37 (hg19) VCF-style: chr2-238270328-T-C.
Other names: c.4335+54A>G (NM_057166.5); c.5538+54A>G (NM_057167.4).
Identifiers: ClinVar variation 678745 (VCV000678745.2), dbSNP rs7597574, ClinGen allele CA11242127.